The following is an entry in ClinVar:

NM_005630.3(SLCO2A1):c.310G>T (p.Gly104Ter)

Gene: SLCO2A1 (solute carrier organic anion transporter family member 2A1; minus strand). Cytogenetic location: 3q22.1.
Variant type: single nucleotide variant.
Coding change: c.310G>T on transcript NM_005630.3 (MANE Select); coding-DNA position 310, G replaced by T.
Protein change: p.Gly104Ter; replaces glycine 104 with a stop codon.
Molecular consequence: nonsense.
Genome position (GRCh38, 1-based): chr3:133,973,750, C>A on the plus strand (G>T on the coding strand, the complement: SLCO2A1 is on the minus strand). VCF-style: chr3-133973750-C-A. GRCh37 (hg19) VCF-style: chr3-133692594-C-A.
Other names: short protein forms G104*.
Identifiers: ClinVar variation 37171 (VCV000037171.8), dbSNP rs387907297, ClinGen allele CA130098.
Genomic context (GRCh38, chr3:133,973,750, plus strand): 5'-GCTCGGAGAGGAAGTGTGGGAGGGTGAGGATGAAGGCACCTGCAGCCAGGAAGAGACCTC[C>A]GATGCCAATCAGACGTGGACGGTGCACCCGGCTGCCAAAGTAGCTGACAAAGATGATGAG-3'

ClinVar aggregate classification (germline): Pathogenic. Review status: criteria provided, single submitter (1 of 4 stars). 3 submissions from 2 submitters: Pathogenic (1). 2 of the submissions do not count toward it. Last evaluated 2024-04-01.

Conditions:
Hypertrophic osteoarthropathy, primary, autosomal dominant. Also called: PHOAD; PACHYDERMOPERIOSTOSIS, AUTOSOMAL DOMINANT; PDP, AUTOSOMAL DOMINANT; PHO, AUTOSOMAL DOMINANT. Identifiers: Orphanet 2796, MedGen C2674695, MONDO:0008172, OMIM 167100.
Hypertrophic osteoarthropathy, primary, autosomal recessive, 2 (PHOAR2E). Also called: HYPERTROPHIC OSTEOARTHROPATHY, PRIMARY, AUTOSOMAL RECESSIVE, 2/ENTEROPATHY SYNDROME; PHOAR2-enteropathy syndrome; PACHYDERMOPERIOSTOSIS, AUTOSOMAL RECESSIVE; PDP, AUTOSOMAL RECESSIVE. Identifiers: Orphanet 2796, MedGen C3280800, MONDO:0013756, OMIM 614441.

Allele frequency attached by ClinVar (database versions not stated): TOPMed 0.00002.
gnomAD v4.1: 7 of 1,614,042 alleles (0.00043%); highest among the groups gnomAD compares: Admixed American, 0.0017%; no homozygotes.

Submissions (3):

Labcorp Genetics (formerly Invitae), Labcorp
Classification: Pathogenic. Last evaluated: 2024-04-01. Review status: criteria provided, single submitter. Criteria: Invitae Variant Classification Sherloc (09022015). Collection method: clinical testing. Allele origin: germline.
Comment: This sequence change creates a premature translational stop signal (p.Gly104*) in the SLCO2A1 gene. It is expected to result in an absent or disrupted protein product. Loss-of-function variants in SLCO2A1 are known to be pathogenic (PMID: 22553128, 23509104). The frequency data for this variant in the population databases is considered unreliable, as metrics indicate poor data quality at this position in the gnomAD database. This premature translational stop signal has been observed in individuals with clinical features of primary hypertrophic osteoarthropathy (PMID: 22553128, 22906430). ClinVar contains an entry for this variant (Variation ID: 37171). For these reasons, this variant has been classified as Pathogenic.

OMIM
Classification: Pathogenic for PHOAR2-ENTEROPATHY SYNDROME. Last evaluated: 2012-08-01. Review status: no assertion criteria provided. Collection method: literature only. Allele origin: germline. Not counted in ClinVar's aggregate classification.

OMIM
Classification: Pathogenic for HYPERTROPHIC OSTEOARTHROPATHY, PRIMARY, AUTOSOMAL DOMINANT. Last evaluated: 2012-08-01. Review status: no assertion criteria provided. Collection method: literature only. Allele origin: germline. Not counted in ClinVar's aggregate classification.

Literature cited by the submitters: PubMed 22553128 (cited by Labcorp Genetics (formerly Invitae), Labcorp and OMIM); PubMed 23509104 (cited by Labcorp Genetics (formerly Invitae), Labcorp); PubMed 22906430 (cited by Labcorp Genetics (formerly Invitae), Labcorp); PubMed 16283874 (cited by OMIM); PubMed 24838973 (cited by OMIM).